The following is an entry in ClinVar:

ClinVar aggregate classification (germline): Likely benign. Review status: criteria provided, multiple submitters, no conflicts (2 of 4 stars). 2 submissions from 2 submitters: Likely benign (2). Last evaluated 2025-01-16.

Conditions:
PDE6C-related disorder. Also called: PDE6C-related condition.

Allele frequency attached by ClinVar (database versions not stated): gnomAD exomes below 0.00001 and 0.00002; gnomAD 0.00001 and 0.00002; ExAC 0.00002; TOPMed 0.00003; 1000 Genomes Project 30x 0.00016; 1000 Genomes Project 0.00020.
gnomAD v4.1: 11 of 1,613,288 alleles (0.00068%); highest among the groups gnomAD compares: East Asian, 0.02%; no homozygotes.

Submissions (2):

Labcorp Genetics (formerly Invitae), Labcorp
Classification: Likely benign. Last evaluated: 2025-01-16. Review status: criteria provided, single submitter. Criteria: Invitae Variant Classification Sherloc (09022015). Collection method: clinical testing. Allele origin: germline.

PreventionGenetics, part of Exact Sciences
Classification: Likely benign for PDE6C-related condition. Last evaluated: 2024-11-12. Review status: criteria provided, single submitter. Criteria: ACMG Guidelines, 2015. Collection method: clinical testing. Allele origin: germline.
Comment: This variant is classified as likely benign based on ACMG/AMP sequence variant interpretation guidelines (Richards et al. 2015 PMID: 25741868, with internal and published modifications).

NM_006204.4(PDE6C):c.1332G>A (p.Lys444=)

Gene: PDE6C (phosphodiesterase 6C; plus strand). Cytogenetic location: 10q23.33.
Variant type: single nucleotide variant.
Coding change: c.1332G>A on transcript NM_006204.4 (MANE Select); coding-DNA position 1332, G replaced by A.
Protein change: p.Lys444=; no amino-acid change (lysine 444 retained).
Molecular consequence: synonymous variant.
Genome position (GRCh38, 1-based): chr10:93,635,559, G>A. VCF-style: chr10-93635559-G-A. GRCh37 (hg19) VCF-style: chr10-95395316-G-A.
Other names: c.1332G>A (NM_006204.3).
Identifiers: ClinVar variation 1126038 (VCV001126038.10), dbSNP rs200428306, ClinGen allele CA5610151.